The following is an entry in ClinVar:

ClinVar aggregate classification (germline): Uncertain significance (1 of 4 stars; one submission).

Conditions:
Muscular dystrophy-dystroglycanopathy (congenital with brain and eye anomalies), type a, 11 (MDDGA11). Also called: WALKER-WARBURG SYNDROME OR MUSCLE-EYE-BRAIN DISEASE, B3GALNT2-RELATED; Muscular dystrophy-dystroglycanopathy (congenital with brain and eye anomalies, type A, 11; Congenital muscular dystrophy-dystroglycanopathy with brain and eye anomalies, type A11. Identifiers: Orphanet 588, Orphanet 899, MedGen C3554638, MONDO:0014071, OMIM 615181.

Submission:

Labcorp Genetics (formerly Invitae), Labcorp
Classification: Uncertain significance for Muscular dystrophy-dystroglycanopathy (congenital with brain and eye anomalies), type a, 11. Last evaluated: 2022-08-19. Review status: criteria provided, single submitter. Criteria: Invitae Variant Classification Sherloc (09022015). Collection method: clinical testing. Allele origin: germline.
Comment: This sequence change replaces proline, which is neutral and non-polar, with arginine, which is basic and polar, at codon 408 of the B3GALNT2 protein (p.Pro408Arg). This variant is not present in population databases (gnomAD no frequency). This variant has not been reported in the literature in individuals affected with B3GALNT2-related conditions. Algorithms developed to predict the effect of missense changes on protein structure and function are either unavailable or do not agree on the potential impact of this missense change (SIFT: "Deleterious"; PolyPhen-2: "Probably Damaging"; Align-GVGD: "Class C0"). In summary, the available evidence is currently insufficient to determine the role of this variant in disease. Therefore, it has been classified as a Variant of Uncertain Significance.

NM_152490.5(B3GALNT2):c.1223C>G (p.Pro408Arg)

Gene: B3GALNT2 (beta-1,3-N-acetylgalactosaminyltransferase 2; minus strand). Cytogenetic location: 1q42.3.
Variant type: single nucleotide variant.
Coding change: c.1223C>G on transcript NM_152490.5 (MANE Select); coding-DNA position 1223, C replaced by G.
Protein change: p.Pro408Arg; replaces proline 408 with arginine.
Molecular consequence: missense variant.
Genome position (GRCh38, 1-based): chr1:235,454,244, G>C on the plus strand (C>G on the coding strand, the complement: B3GALNT2 is on the minus strand). VCF-style: chr1-235454244-G-C. GRCh37 (hg19) VCF-style: chr1-235617556-G-C.
Other names: short protein forms P408R.
Identifiers: ClinVar variation 2163586 (VCV002163586.4), dbSNP rs2527148708, ClinGen allele CA344956955.